The following is an entry in ClinVar:

ClinVar aggregate classification (germline): Pathogenic/Likely pathogenic. Review status: criteria provided, multiple submitters, no conflicts (2 of 4 stars). 6 submissions from 6 submitters: Pathogenic (4); Likely pathogenic (1). 1 of the submissions does not count toward it. Last evaluated 2025-02-11.

Conditions:
KDM6B-related disorder. Also called: KDM6B-related condition.
Neurodevelopmental disorder with coarse facies and mild distal skeletal abnormalities. Also called: STOLERMAN NEURODEVELOPMENTAL SYNDROME. Identifiers: MedGen C5193134, MONDO:0032790, OMIM 618505.

Submissions (6):

Victorian Clinical Genetics Services, Murdoch Childrens Research Institute
Classification: Pathogenic for Neurodevelopmental disorder with coarse facies and mild distal skeletal abnormalities. Last evaluated: 2025-02-11. Review status: criteria provided, single submitter. Criteria: ACMG Guidelines, 2015. Collection method: clinical testing. Allele origin: germline. Affected: yes.
Comment: This variant is classified as Pathogenic. Evidence in support of pathogenic classification: Variant is predicted to cause nonsense-mediated decay (NMD) and loss of protein (premature termination codon is located at least 54 nucleotides upstream of the final exon-exon junction); Variant is absent from gnomAD (v2, v3 and v4); This variant has moderate previous evidence of pathogenicity in unrelated individuals. This variant has been classified as pathogenic by clinical laboratories in ClinVar; Other NMD-predicted variant(s) comparable to the one identified in this case have very strong previous evidence for pathogenicity (DECIPHER, ClinVar); Additional information: This variant is heterozygous; This gene is associated with autosomal dominant disease; Loss of function is a known mechanism of disease in this gene and is associated with Stolerman neurodevelopmental syndrome (MIM#618505).

CeGaT Center for Human Genetics Tuebingen
Classification: Pathogenic. Last evaluated: 2024-08-01. Review status: criteria provided, single submitter. Criteria: CeGaT Center For Human Genetics Tuebingen Variant Classification Criteria Version 2. Collection method: clinical testing. Allele origin: germline. Affected: yes. Observed: 1 variant allele.
Comment: KDM6B: PVS1, PM2, PS2:Moderate, PS4:Moderate

Blueprint Genetics
Classification: Likely pathogenic for KDM6B-related disorders. Last evaluated: 2023-11-06. Review status: criteria provided, single submitter. Criteria: ACMG Guidelines, 2015. Collection method: clinical testing. Allele origin: germline. Affected: yes. Observed: 1 variant allele.

Institute of Medical Genetics and Applied Genomics, University Hospital Tübingen
Classification: Pathogenic. Last evaluated: 2020-10-23. Review status: criteria provided, single submitter. Criteria: ACMG Guidelines, 2015. Collection method: clinical testing. Allele origin: germline. Inheritance: Unknown mechanism. Affected: yes.

Juno Genomics, Hangzhou Juno Genomics, Inc
Classification: Pathogenic for Neurodevelopmental disorder with coarse facies and mild distal skeletal abnormalities. Review status: criteria provided, single submitter. Criteria: ACMG Guidelines, 2015. Collection method: clinical testing. Allele origin: germline.
Comment: Absent from controls (or at extremely low frequency if recessive) in Genome Aggregation Database.;Null variant in a gene where loss of function (LOF) is a known mechanism of disease.;The prevalence of the variant in affected individuals is significantly increased compared to the prevalence in controls.

Joint Genome Diagnostic Labs from Nijmegen and Maastricht, Radboudumc and MUMC+
Classification: Likely pathogenic for Neurodevelopmental disorder with coarse facies and mild distal skeletal abnormalities. Last evaluated: 2022-09-09. Review status: no assertion criteria provided. Collection method: research. Allele origin: de novo. Affected: yes. Not counted in ClinVar's aggregate classification.

NM_001348716.2(KDM6B):c.1416_1417del (p.Cys473fs)

Gene: KDM6B (lysine demethylase 6B; plus strand). Cytogenetic location: 17p13.1.
Variant type: Deletion.
Coding change: c.1416_1417del on transcript NM_001348716.2 (MANE Select); coding-DNA positions 1416 to 1417, 2 bases deleted (CT; older notation c.1416_1417delCT).
Protein change: p.Cys473fs; shifts the reading frame from cysteine 473.
Molecular consequence: frameshift variant.
Genome position (GRCh38, 1-based): chr17:7,847,704-7,847,705, CT deleted. VCF-style (leftmost placement, unchanged base first): chr17-7847703-CCT-C. GRCh37 (hg19) VCF-style: chr17-7751021-CCT-C.
Other names: c.1416_1417del, p.Cys473fs (NM_001080424.2); short protein forms C473fs.
Identifiers: ClinVar variation 987129 (VCV000987129.49), dbSNP rs2078587931, ClinGen allele CA1139665181.
Genomic context (GRCh38, chr17:7,847,703, plus strand): 5'-CTCCCGCTGCCACTCCCCACCTATCCCTGCCACCTGGACCTTCCTCACCCCCTCCACCCC[CCT>C]GTCCCCGCCTCTTACGCCCCCCACCACCCCCTGCCTGGTTGAAGGGTCCGGCCTGCCGGG-3'